The following is an entry in ClinVar:

ClinVar aggregate classification (germline): Uncertain significance (1 of 4 stars; one submission).

Conditions:
Thrombocytopenia 1. Also called: THROMBOCYTOPENIA, X-LINKED, 1; X-Linked Thrombocytopenia (XLT); X-linked thrombocytopenia with normal platelets. Identifiers: Orphanet 268322, Orphanet 852, MedGen C1839163, MONDO:0010743, OMIM 313900.
Wiskott-Aldrich syndrome (WAS). Also called: ALDRICH SYNDROME; IMMUNODEFICIENCY 2; WISKOTT-ALDRICH SYNDROME 1; Wiskott-aldrich syndrome, somatic. Identifiers: Orphanet 906, MedGen C0043194, MONDO:0010518, OMIM 301000.
X-linked severe congenital neutropenia (SCNX). Identifiers: Orphanet 86788, MedGen C1845987, MONDO:0010294, OMIM 300299.

Submission:

Labcorp Genetics (formerly Invitae), Labcorp
Classification: Uncertain significance for Wiskott-Aldrich syndrome; X-linked severe congenital neutropenia; Thrombocytopenia 1. Last evaluated: 2023-08-09. Review status: criteria provided, single submitter. Criteria: Invitae Variant Classification Sherloc (09022015). Collection method: clinical testing. Allele origin: germline.
Comment: In summary, the available evidence is currently insufficient to determine the role of this variant in disease. Therefore, it has been classified as a Variant of Uncertain Significance. Advanced modeling of protein sequence and biophysical properties (such as structural, functional, and spatial information, amino acid conservation, physicochemical variation, residue mobility, and thermodynamic stability) has been performed at Invitae for this missense variant, however the output from this modeling did not meet the statistical confidence thresholds required to predict the impact of this variant on WAS protein function. This variant has not been reported in the literature in individuals affected with WAS-related conditions. This variant is not present in population databases (gnomAD no frequency). This sequence change replaces arginine, which is basic and polar, with serine, which is neutral and polar, at codon 273 of the WAS protein (p.Arg273Ser).

NM_000377.3(WAS):c.819G>C (p.Arg273Ser)

Gene: WAS (WASP actin nucleation promoting factor; plus strand). Cytogenetic location: Xp11.23.
Variant type: single nucleotide variant.
Coding change: c.819G>C on transcript NM_000377.3 (MANE Select); coding-DNA position 819, G replaced by C.
Protein change: p.Arg273Ser; replaces arginine 273 with serine.
Molecular consequence: missense variant.
Genome position (GRCh38, 1-based): chrX:48,688,341, G>C. VCF-style: chrX-48688341-G-C. GRCh37 (hg19) VCF-style: chrX-48546730-G-C.
Other names: short protein forms R273S.
Identifiers: ClinVar variation 2949280 (VCV002949280.3), dbSNP rs2062426712, ClinGen allele CA412872234.